The following is an entry in ClinVar:

NM_025074.7(FRAS1):c.1174del (p.Tyr392fs)

Gene: FRAS1 (Fraser extracellular matrix complex subunit 1; plus strand). Cytogenetic location: 4q21.21.
Variant type: Deletion.
Coding change: c.1174del on transcript NM_025074.7 (MANE Select); coding-DNA position 1174, one base deleted (T; older notation c.1174delT).
Protein change: p.Tyr392fs; shifts the reading frame from tyrosine 392.
Molecular consequence: frameshift variant.
Genome position (GRCh38, 1-based): chr4:78,282,886, T deleted. VCF-style (leftmost placement, unchanged base first): chr4-78282885-CT-C. GRCh37 (hg19) VCF-style: chr4-79204039-CT-C.
Other names: c.1174del, p.Tyr392fs (NM_001166133.2); short protein forms Y392fs.
Identifiers: ClinVar variation 2115539 (VCV002115539.4), dbSNP rs1727399068, ClinGen allele CA1470452834.

ClinVar aggregate classification (germline): Pathogenic (1 of 4 stars; one submission).

Allele frequency attached by ClinVar (database versions not stated): TOPMed below 0.00001.

Submission:

Labcorp Genetics (formerly Invitae), Labcorp
Classification: Pathogenic. Last evaluated: 2022-03-21. Review status: criteria provided, single submitter. Criteria: Invitae Variant Classification Sherloc (09022015). Collection method: clinical testing. Allele origin: germline.
Comment: This variant is not present in population databases (gnomAD no frequency). This sequence change creates a premature translational stop signal (p.Tyr392Thrfs*15) in the FRAS1 gene. It is expected to result in an absent or disrupted protein product. Loss-of-function variants in FRAS1 are known to be pathogenic (PMID: 12766769, 18671281). This variant has not been reported in the literature in individuals affected with FRAS1-related conditions. For these reasons, this variant has been classified as Pathogenic. Algorithms developed to predict the effect of sequence changes on RNA splicing suggest that this variant may disrupt the consensus splice site.

Literature cited by the submitters: PubMed 12766769; PubMed 18671281.